The following is an entry in ClinVar:

ClinVar aggregate classification (germline): Uncertain significance (1 of 4 stars; one submission).

Conditions:
VPS13B-related disorder. Also called: VPS13B-related condition.

Allele frequency attached by ClinVar (database versions not stated): gnomAD 0.00001; gnomAD exomes 0.00001; TOPMed 0.00001.
gnomAD v4.1: 10 of 1,610,208 alleles (0.00062%); highest among the groups gnomAD compares: South Asian, 0.0011%; no homozygotes.

Submission:

PreventionGenetics, part of Exact Sciences
Classification: Uncertain significance for VPS13B-related condition. Last evaluated: 2023-01-08. Review status: criteria provided, single submitter. Criteria: ACMG Guidelines, 2015. Collection method: clinical testing. Allele origin: germline.
Comment: The VPS13B c.1240C>G variant is predicted to result in the amino acid substitution p.Gln414Glu. To our knowledge, this variant has not been reported in the literature. This variant is reported in 0.0024% of alleles in individuals of European (Non-Finnish) descent in gnomAD. At this time, the clinical significance of this variant is uncertain due to the absence of conclusive functional and genetic evidence.

NM_152564.5(VPS13B):c.1206+34C>G

Gene: VPS13B (vacuolar protein sorting 13 homolog B; plus strand). Cytogenetic location: 8q22.2.
Variant type: single nucleotide variant.
Coding change: c.1206+34C>G on transcript NM_152564.5 (MANE Select); 34 bases into the intron after coding-DNA position 1206, C replaced by G.
Molecular consequence: intron variant. On other transcripts: missense variant (1), non-coding transcript variant (1).
Genome position (GRCh38, 1-based): chr8:99,121,479, C>G. VCF-style: chr8-99121479-C-G. GRCh37 (hg19) VCF-style: chr8-100133707-C-G.
Other names: c.1240C>G, p.Gln414Glu (NM_181661.3); c.1206+34C>G (NM_017890.5, NM_015243.3); short protein forms Q414E.
Identifiers: ClinVar variation 2628504 (VCV002628504.1), dbSNP rs1378205846, ClinGen allele CA371861426.
Genomic context (GRCh38, chr8:99,121,479, plus strand): 5'-TGCACAAAGGCAACGGTGACTTTCAAAGTAGGTCTTTTCTCTTGCTGTTTATATCTCTAT[C>G]AACTTTAATGCTTAAATTTGGATTGTTAGTACAATTCTAGCTTTATTCAAGTTTGCTTTG-3'